The following is an entry in ClinVar:

NM_006096.4(NDRG1):c.400A>G (p.Ile134Val)

Gene: NDRG1 (N-myc downstream regulated 1; minus strand). Cytogenetic location: 8q24.22.
Variant type: single nucleotide variant.
Coding change: c.400A>G on transcript NM_006096.4 (MANE Select); coding-DNA position 400, A replaced by G.
Protein change: p.Ile134Val; replaces isoleucine 134 with valine.
Molecular consequence: missense variant.
Genome position (GRCh38, 1-based): chr8:133,258,416, T>C on the plus strand (A>G on the coding strand, the complement: NDRG1 is on the minus strand). VCF-style: chr8-133258416-T-C. GRCh37 (hg19) VCF-style: chr8-134270659-T-C.
Other names: c.400A>G, p.Ile134Val (NM_001135242.2, NM_001374844.1, NM_001374845.1 and 1 more transcripts); c.202A>G, p.Ile68Val (NM_001258432.2, NM_001374847.1); c.157A>G, p.Ile53Val (NM_001258433.2); short protein forms I134V, I53V, I68V.
Identifiers: ClinVar variation 835551 (VCV000835551.7), dbSNP rs762263620, ClinGen allele CA4886763.

ClinVar aggregate classification (germline): Uncertain significance (1 of 4 stars; one submission).

Conditions:
Charcot-Marie-Tooth disease type 4. Also called: Charcot-Marie-Tooth disease, type IV; Charcot-Marie-Tooth, Type 4. Identifiers: Orphanet 64749, MedGen C4082197, MONDO:0018995.

Allele frequency attached by ClinVar (database versions not stated): ExAC 0.00003; TOPMed below 0.00001; gnomAD 0.00001; gnomAD exomes 0.00001.
gnomAD v4.1: 7 of 1,611,078 alleles (0.00043%); highest among the groups gnomAD compares: Non-Finnish European, 0.00059%; no homozygotes.

Submission:

Labcorp Genetics (formerly Invitae), Labcorp
Classification: Uncertain significance for Charcot-Marie-Tooth disease type 4. Last evaluated: 2022-06-08. Review status: criteria provided, single submitter. Criteria: Invitae Variant Classification Sherloc (09022015). Collection method: clinical testing. Allele origin: germline.
Comment: This sequence change replaces isoleucine, which is neutral and non-polar, with valine, which is neutral and non-polar, at codon 134 of the NDRG1 protein (p.Ile134Val). This variant is present in population databases (rs762263620, gnomAD 0.003%). This variant has not been reported in the literature in individuals affected with NDRG1-related conditions. ClinVar contains an entry for this variant (Variation ID: 835551). Algorithms developed to predict the effect of missense changes on protein structure and function output the following: SIFT: "Tolerated"; PolyPhen-2: "Benign"; Align-GVGD: "Class C0". The valine amino acid residue is found in multiple mammalian species, which suggests that this missense change does not adversely affect protein function. In summary, the available evidence is currently insufficient to determine the role of this variant in disease. Therefore, it has been classified as a Variant of Uncertain Significance.